The following is an entry in ClinVar:

ClinVar aggregate classification (germline): Uncertain significance (1 of 4 stars; one submission).

Conditions:
Medulloblastoma (MDB). Also called: Medulloblastoma, somatic; MEDULLOBLASTOMA PREDISPOSITION SYNDROME. Identifiers: Orphanet 616, MedGen C0025149, MeSH D008527, MONDO:0007959, OMIM 155255, HP:0002885.

Allele frequency attached by ClinVar (database versions not stated): gnomAD 0.00001; gnomAD exomes 0.00001; TOPMed 0.00001.
gnomAD v4.1: 12 of 1,613,856 alleles (0.00074%); highest among the groups gnomAD compares: South Asian, 0.0011%; no homozygotes.

Submission:

St. Jude Molecular Pathology, St. Jude Children's Research Hospital
Classification: Uncertain significance for Medulloblastoma. Last evaluated: 2023-01-24. Review status: criteria provided, single submitter. Criteria: St. Jude Assertion Criteria 2020. Collection method: clinical testing. Allele origin: germline.
Comment: The ELP1 c.3433A>G (p.Lys1145Glu) missense change is absent in gnomAD v2.1.1. The in silico tool REVEL predicts a benign effect on protein function, but to our knowledge this prediction has not been confirmed by functional studies. To our knowledge, this variant has not been reported in individuals with a personal or family history of medulloblastoma. In summary, the evidence currently available is insufficient to determine the clinical significance of this variant. It has therefore been classified as of uncertain significance.

NM_003640.5(ELP1):c.3433A>G (p.Lys1145Glu)

Gene: ELP1 (elongator acetyltransferase complex subunit 1; minus strand). Cytogenetic location: 9q31.3.
Variant type: single nucleotide variant.
Coding change: c.3433A>G on transcript NM_003640.5 (MANE Select); coding-DNA position 3433, A replaced by G.
Protein change: p.Lys1145Glu; replaces lysine 1145 with glutamic acid.
Molecular consequence: missense variant.
Genome position (GRCh38, 1-based): chr9:108,880,079, T>C on the plus strand (A>G on the coding strand, the complement: ELP1 is on the minus strand). VCF-style: chr9-108880079-T-C. GRCh37 (hg19) VCF-style: chr9-111642359-T-C.
Other names: c.3091A>G, p.Lys1031Glu (NM_001318360.2); c.2386A>G, p.Lys796Glu (NM_001330749.2); short protein forms K1031E, K1145E, K796E.
Identifiers: ClinVar variation 2444867 (VCV002444867.1), dbSNP rs1827866252, ClinGen allele CA374412201.
Genomic context (GRCh38, chr9:108,880,079, plus strand): 5'-CCGCACGTCGATGGCCTTCACGCAGATACTCACCCAGACCTGCCTGCTGGGCTTGCTCCT[T>C]GAGCTCTCGAACTACCAATAAACGTTTCTTGTGGCGACTGAATGTGGCTGTCTGAGAGTC-3'
Protein context (NP_003631.2, residues 1135-1155): KKRLLVVREL[Lys1145Glu]EQAQQAGLDD